The following is an entry in ClinVar:

ClinVar aggregate classification (germline): Uncertain significance (1 of 4 stars; one submission).

Allele frequency attached by ClinVar (database versions not stated): gnomAD exomes below 0.00001; ExAC 0.00001.
gnomAD v4.1: 1 of 1,612,632 alleles (0.000062%); highest among the groups gnomAD compares: South Asian, 0.0011%; no homozygotes.

Submission:

Labcorp Genetics (formerly Invitae), Labcorp
Classification: Uncertain significance. Last evaluated: 2021-11-17. Review status: criteria provided, single submitter. Criteria: Invitae Variant Classification Sherloc (09022015). Collection method: clinical testing. Allele origin: germline.
Comment: This variant has not been reported in the literature in individuals affected with TRAPPC9-related conditions. This variant is present in population databases (rs772990782, gnomAD 0.003%). This sequence change replaces lysine, which is basic and polar, with glutamic acid, which is acidic and polar, at codon 282 of the TRAPPC9 protein (p.Lys282Glu). Algorithms developed to predict the effect of missense changes on protein structure and function are either unavailable or do not agree on the potential impact of this missense change (SIFT: "Not Available"; PolyPhen-2: "Probably Damaging"; Align-GVGD: "Not Available"). In summary, the available evidence is currently insufficient to determine the role of this variant in disease. Therefore, it has been classified as a Variant of Uncertain Significance.

NM_001160372.4(TRAPPC9):c.550A>G (p.Lys184Glu)

Gene: TRAPPC9 (trafficking protein particle complex subunit 9; minus strand). Cytogenetic location: 8q24.3.
Variant type: single nucleotide variant.
Coding change: c.550A>G on transcript NM_001160372.4 (MANE Select); coding-DNA position 550, A replaced by G.
Protein change: p.Lys184Glu; replaces lysine 184 with glutamic acid.
Molecular consequence: missense variant. On other transcripts: non-coding transcript variant (1).
Genome position (GRCh38, 1-based): chr8:140,450,824, T>C on the plus strand (A>G on the coding strand, the complement: TRAPPC9 is on the minus strand). VCF-style: chr8-140450824-T-C. GRCh37 (hg19) VCF-style: chr8-141460923-T-C.
Other names: c.550A>G, p.Lys184Glu (NM_001321646.2, NM_001374682.1, NM_001374683.1 and 2 more transcripts); short protein forms K184E.
Identifiers: ClinVar variation 1392673 (VCV001392673.6), dbSNP rs772990782, ClinGen allele CA4893707.